The following is an entry in ClinVar:

NM_000199.5(SGSH):c.182G>A (p.Arg61His)

Gene: SGSH (N-sulfoglucosamine sulfohydrolase; minus strand). Cytogenetic location: 17q25.3.
Variant type: single nucleotide variant.
Coding change: c.182G>A on transcript NM_000199.5 (MANE Select); coding-DNA position 182, G replaced by A.
Protein change: p.Arg61His; replaces arginine 61 with histidine.
Molecular consequence: missense variant. On other transcripts: non-coding transcript variant (1).
Genome position (GRCh38, 1-based): chr17:80,217,099, C>T on the plus strand (G>A on the coding strand, the complement: SGSH is on the minus strand). VCF-style: chr17-80217099-C-T. GRCh37 (hg19) VCF-style: chr17-78190898-C-T.
Other names: c.182G>A (NM_000199.3); c.182G>A, p.Arg61His (NM_001352921.3, NM_001352922.2); short protein forms R61H.
Identifiers: ClinVar variation 2071510 (VCV002071510.2), dbSNP rs573342437, ClinGen allele CA8818146.
Genomic context (GRCh38, chr17:80,217,099, plus strand): 5'-AGGCCAGTGAGGAGGCTGGCGCGGCTGGGAGAGCAGCTGCTGACCGAGGTGAAGGCATTG[C>T]GAAAGAGGAGGCTGCGGCGGGCCAAGGCGTCCAGGTGCGGGGTGGCGATGGCGCTGTTGT-3'
Protein context (NP_000190.1, residues 51-71): DALARRSLLF[Arg61His]NAFTSVSSCS

ClinVar aggregate classification (germline): Uncertain significance. Review status: criteria provided, multiple submitters, no conflicts (2 of 4 stars). 2 submissions from 2 submitters: Uncertain significance (2). Last evaluated 2023-08-10.

Conditions:
SGSH-related disorder. Also called: SGSH-related condition.
Mucopolysaccharidosis, MPS-III-A (MPS3A). Also called: HEPARAN SULFATE SULFATASE DEFICIENCY; SANFILIPPO SYNDROME A; SULFAMIDASE DEFICIENCY; MPS III A; Mucopolysaccharidosis, type IIIA; MUCOPOLYSACCHARIDOSIS, TYPE IIIA, ATTENUATED. Identifiers: Orphanet 581, Orphanet 79269, MedGen C0086647, MONDO:0009655, OMIM 252900.

Allele frequency attached by ClinVar (database versions not stated): gnomAD 0.00005; 1000 Genomes Project 30x 0.00078; 1000 Genomes Project 0.00080.
gnomAD v4.1: 29 of 1,604,604 alleles (0.0018%); highest among the groups gnomAD compares: Admixed American, 0.021%; 1 homozygote.

Submissions (2):

PreventionGenetics, part of Exact Sciences
Classification: Uncertain significance for SGSH-related condition. Last evaluated: 2023-08-10. Review status: criteria provided, single submitter. Criteria: ACMG Guidelines, 2015. Collection method: clinical testing. Allele origin: germline.
Comment: The SGSH c.182G>A variant is predicted to result in the amino acid substitution p.Arg61His. To our knowledge, this variant has not been reported in the literature. This variant is reported in 0.0062% of alleles in individuals of Latino descent in gnomAD. At this time, the clinical significance of this variant is uncertain due to the absence of conclusive functional and genetic evidence.

Labcorp Genetics (formerly Invitae), Labcorp
Classification: Uncertain significance for Mucopolysaccharidosis, MPS-III-A. Last evaluated: 2022-07-29. Review status: criteria provided, single submitter. Criteria: Invitae Variant Classification Sherloc (09022015). Collection method: clinical testing. Allele origin: germline.
Comment: This sequence change replaces arginine, which is basic and polar, with histidine, which is basic and polar, at codon 61 of the SGSH protein (p.Arg61His). This variant is present in population databases (rs573342437, gnomAD 0.006%). This variant has not been reported in the literature in individuals affected with SGSH-related conditions. Algorithms developed to predict the effect of missense changes on protein structure and function output the following: SIFT: "Tolerated"; PolyPhen-2: "Benign"; Align-GVGD: "Class C0". The histidine amino acid residue is found in multiple mammalian species, which suggests that this missense change does not adversely affect protein function. In summary, the available evidence is currently insufficient to determine the role of this variant in disease. Therefore, it has been classified as a Variant of Uncertain Significance.